The following is an entry in ClinVar:

NM_001378120.1(MBD5):c.3579C>A (p.Asn1193Lys)

Gene: MBD5 (methyl-CpG binding domain protein 5; plus strand). Cytogenetic location: 2q23.1.
Variant type: single nucleotide variant.
Coding change: c.3579C>A on transcript NM_001378120.1 (MANE Select); coding-DNA position 3579, C replaced by A.
Protein change: p.Asn1193Lys; replaces asparagine 1193 with lysine.
Molecular consequence: missense variant.
Genome position (GRCh38, 1-based): chr2:148,485,776, C>A. VCF-style: chr2-148485776-C-A. GRCh37 (hg19) VCF-style: chr2-149243345-C-A.
Other names: c.2880C>A, p.Asn960Lys (NM_018328.5); short protein forms N960K, N1193K.
Identifiers: ClinVar variation 2079628 (VCV002079628.4), dbSNP rs2469995643, ClinGen allele CA348724407.
Genomic context (GRCh38, chr2:148,485,776, plus strand): 5'-TATATTTTATGTTTTTCAAACTGTAGGTGATATGTCATCAATAAACAATACTTTGAGTAA[C>A]CATCAACTGACTCATCTACAGTCGCTGTTAAACAACAATCAGATGTTTCCTCCAAATCAG-3'
Protein context (NP_001365049.1, residues 1183-1203): DMSSINNTLS[Asn1193Lys]HQLTHLQSLL

ClinVar aggregate classification (germline): Uncertain significance (1 of 4 stars; one submission).

Conditions:
Intellectual developmental disorder, autosomal dominant 1. Also called: Intellectual disability, autosomal dominant 1; MBD5 Haploinsufficiency. Identifiers: Orphanet 228402, MedGen C1969562, MONDO:0007974, OMIM 156200.

Submission:

Labcorp Genetics (formerly Invitae), Labcorp
Classification: Uncertain significance for Intellectual developmental disorder, autosomal dominant 1. Last evaluated: 2023-04-29. Review status: criteria provided, single submitter. Criteria: Invitae Variant Classification Sherloc (09022015). Collection method: clinical testing. Allele origin: germline.
Comment: In summary, the available evidence is currently insufficient to determine the role of this variant in disease. Therefore, it has been classified as a Variant of Uncertain Significance. Advanced modeling of protein sequence and biophysical properties (such as structural, functional, and spatial information, amino acid conservation, physicochemical variation, residue mobility, and thermodynamic stability) performed at Invitae indicates that this missense variant is not expected to disrupt MBD5 protein function. ClinVar contains an entry for this variant (Variation ID: 2079628). This variant has not been reported in the literature in individuals affected with MBD5-related conditions. This variant is not present in population databases (gnomAD no frequency). This sequence change replaces asparagine, which is neutral and polar, with lysine, which is basic and polar, at codon 960 of the MBD5 protein (p.Asn960Lys).